The following is an entry in ClinVar:

ClinVar aggregate classification (germline): Conflicting classifications of pathogenicity. Review status: criteria provided, conflicting classifications (1 of 4 stars). 7 submissions from 7 submitters: Uncertain significance (4); Benign (1); Likely benign (1). 1 of the submissions does not count toward it. Last evaluated 2026-01-25.

Conditions:
INVS-related disorder. Also called: INVS-related condition.
Infantile nephronophthisis (NPHP2). Also called: Nephronophthisis 2, infantile; Nephronophthisis 2. Identifiers: MONDO:0011190, OMIM 602088, Orphanet 655, Orphanet 93591, MedGen C1865872.
Nephronophthisis. Also called: Juvenile Nephronophthisis. Identifiers: Orphanet 655, MedGen C0687120, MONDO:0019005, HP:0000090.

Submissions (7):

Labcorp Genetics (formerly Invitae), Labcorp
Classification: Benign for Nephronophthisis. Last evaluated: 2026-01-25. Review status: criteria provided, single submitter. Criteria: Invitae Variant Classification Sherloc (09022015). Collection method: clinical testing. Allele origin: germline.

Blueprint Genetics
Classification: Likely benign. Last evaluated: 2024-11-11. Review status: criteria provided, single submitter. Criteria: ACMG Guidelines, 2015. Collection method: clinical testing. Allele origin: germline.

Fulgent Genetics
Classification: Uncertain significance for Infantile nephronophthisis. Last evaluated: 2024-02-28. Review status: criteria provided, single submitter. Criteria: ACMG Guidelines, 2015. Collection method: clinical testing. Allele origin: germline.

Women's Health and Genetics/Laboratory Corporation of America, LabCorp
Classification: Uncertain significance. Last evaluated: 2023-08-31. Review status: criteria provided, single submitter. Criteria: LabCorp Variant Classification Summary - May 2015. Collection method: clinical testing. Allele origin: germline.
Comment: Variant summary: INVS c.3182dupA (p.Asn1061LysfsX20) causes a frameshift which results in an extension of the protein. The variant allele was found at a frequency of 0.00013 in 250686 control chromosomes. c.3182dupA has been reported in the literature in a patient with Bardet-Biedl syndrome and a patient with kidney and urinary tract abnormalities without evidence for causality (Nicolaou_2016 and Redin_2012). These reports do not provide unequivocal conclusions about association of the variant with Infantile Nephronophthisis. To our knowledge, no experimental evidence demonstrating an impact on protein function has been reported. The following publications have been ascertained in the context of this evaluation (PMID: 26489027, 22773737). Three submitters have cited clinical-significance assessments for this variant to ClinVar after 2014 and classified as VUS (n=2) and likely benign (n=1). Based on the evidence outlined above, the variant was classified as uncertain significance.

Revvity Omics, Revvity
Classification: Uncertain significance for Infantile nephronophthisis. Last evaluated: 2022-04-20. Review status: criteria provided, single submitter. Criteria: ACMG Guidelines, 2015. Collection method: clinical testing. Allele origin: germline.

Eurofins Ntd Llc (ga)
Classification: Uncertain significance. Last evaluated: 2018-06-15. Review status: criteria provided, single submitter. Criteria: EGL ClinVar v180209 classification definitions. Collection method: clinical testing. Allele origin: germline. Observed: 7 variant alleles, 6 heterozygotes.

PreventionGenetics, part of Exact Sciences
Classification: Likely benign for INVS-related condition. Last evaluated: 2024-08-21. Review status: no assertion criteria provided. Collection method: clinical testing. Allele origin: germline. Not counted in ClinVar's aggregate classification.
Comment: This variant is classified as likely benign based on ACMG/AMP sequence variant interpretation guidelines (Richards et al. 2015 PMID: 25741868, with internal and published modifications).

Literature cited by the submitters: PubMed 22773737 (cited by Women's Health and Genetics/Laboratory Corporation of America, LabCorp); PubMed 26489027 (cited by Women's Health and Genetics/Laboratory Corporation of America, LabCorp and Eurofins Ntd Llc (ga)).

NM_014425.5(INVS):c.3182dup (p.Asn1061fs)

Gene: INVS (inversin; plus strand). Cytogenetic location: 9q31.1.
Variant type: Duplication.
Coding change: c.3182dup on transcript NM_014425.5 (MANE Select); coding-DNA position 3182, one base duplicated (A; older notation c.3182dupA).
Protein change: p.Asn1061fs; shifts the reading frame from asparagine 1061.
Molecular consequence: frameshift variant. On other transcripts: non-coding transcript variant (1).
Genome position (GRCh38, 1-based): chr9:100,300,658, A duplicated; the last of 6 consecutive A bases (chr9:100,300,653-100,300,658); duplicating any one gives the same sequence. VCF-style (leftmost placement, unchanged base first): chr9-100300652-C-CA. GRCh37 (hg19) VCF-style: chr9-103062934-C-CA.
Other names: c.2894dup, p.Asn965fs (NM_001318381.2); c.2204dup, p.Asn735fs (NM_001318382.2); c.3182dup (NM_014425.3); c.3182dupA (NM_014425.4); short protein forms N1061fs, N735fs, N965fs.
Identifiers: ClinVar variation 531624 (VCV000531624.22), dbSNP rs760013326, ClinGen allele CA5158839.